The following is an entry in ClinVar:

NM_004453.4(ETFDH):c.304C>G (p.Leu102Val)

Gene: ETFDH (electron transfer flavoprotein dehydrogenase; plus strand). Cytogenetic location: 4q32.1.
Variant type: single nucleotide variant.
Coding change: c.304C>G on transcript NM_004453.4 (MANE Select); coding-DNA position 304, C replaced by G.
Protein change: p.Leu102Val; replaces leucine 102 with valine.
Molecular consequence: missense variant.
Genome position (GRCh38, 1-based): chr4:158,682,323, C>G. VCF-style: chr4-158682323-C-G. GRCh37 (hg19) VCF-style: chr4-159603475-C-G.
Other names: c.163C>G, p.Leu55Val (NM_001281737.2); c.121C>G, p.Leu41Val (NM_001281738.1); short protein forms L102V, L41V, L55V.
Identifiers: ClinVar variation 3626402 (VCV003626402.2).

ClinVar aggregate classification (germline): Uncertain significance (1 of 4 stars; one submission).

Conditions:
Multiple acyl-CoA dehydrogenase deficiency (MADD). Also called: Glutaric aciduria, type 2; Glutaric acidemia type II; GA 2; Glutaric Acidemia type 2; ETHYLMALONIC-ADIPICACIDURIA; GA II. Identifiers: Orphanet 26791, MedGen C0268596, MONDO:0009282, OMIM 231680.

Submission:

Labcorp Genetics (formerly Invitae), Labcorp
Classification: Uncertain significance for Multiple acyl-CoA dehydrogenase deficiency. Last evaluated: 2025-03-10. Review status: criteria provided, single submitter. Criteria: Invitae Variant Classification Sherloc (09022015). Collection method: clinical testing. Allele origin: germline.
Comment: This sequence change replaces leucine, which is neutral and non-polar, with valine, which is neutral and non-polar, at codon 102 of the ETFDH protein (p.Leu102Val). This variant is not present in population databases (gnomAD no frequency). This variant has not been reported in the literature in individuals affected with ETFDH-related conditions. Invitae Evidence Modeling of protein sequence and biophysical properties (such as structural, functional, and spatial information, amino acid conservation, physicochemical variation, residue mobility, and thermodynamic stability) indicates that this missense variant is not expected to disrupt ETFDH protein function with a negative predictive value of 80%. In summary, the available evidence is currently insufficient to determine the role of this variant in disease. Therefore, it has been classified as a Variant of Uncertain Significance.